The following is an entry in ClinVar:

NM_024675.4(PALB2):c.1752T>G (p.Asp584Glu)

Gene: PALB2 (partner and localizer of BRCA2; minus strand). Cytogenetic location: 16p12.2.
Variant type: single nucleotide variant.
Coding change: c.1752T>G on transcript NM_024675.4 (MANE Select); coding-DNA position 1752, T replaced by G.
Protein change: p.Asp584Glu; replaces aspartic acid 584 with glutamic acid.
Molecular consequence: missense variant.
Genome position (GRCh38, 1-based): chr16:23,630,402, A>C on the plus strand (T>G on the coding strand, the complement: PALB2 is on the minus strand). VCF-style: chr16-23630402-A-C. GRCh37 (hg19) VCF-style: chr16-23641723-A-C.
Other names: short protein forms D584E.
Identifiers: ClinVar variation 1005671 (VCV001005671.9), dbSNP rs1060504717, ClinGen allele CA395128252.

ClinVar aggregate classification (germline): Uncertain significance (1 of 4 stars; one submission).

Conditions:
Familial cancer of breast. Also called: Hereditary breast cancer; hereditary breast carcinoma; BREAST CANCER, FAMILIAL. Identifiers: Orphanet 227535, MedGen C0346153, MONDO:0016419, OMIM 114480. Disease mechanism: loss of function.

gnomAD v4.1: 1 of 1,614,162 alleles (0.000062%); highest among the groups gnomAD compares: South Asian, 0.0011%; no homozygotes.

Submission:

Labcorp Genetics (formerly Invitae), Labcorp
Classification: Uncertain significance for Familial cancer of breast. Last evaluated: 2020-06-23. Review status: criteria provided, single submitter. Criteria: Invitae Variant Classification Sherloc (09022015). Collection method: clinical testing. Allele origin: germline.
Comment: In summary, the available evidence is currently insufficient to determine the role of this variant in disease. Therefore, it has been classified as a Variant of Uncertain Significance. Algorithms developed to predict the effect of sequence changes on RNA splicing suggest that this variant may create or strengthen a splice site, but this prediction has not been confirmed by published transcriptional studies. Algorithms developed to predict the effect of missense changes on protein structure and function (SIFT, PolyPhen-2, Align-GVGD) all suggest that this variant is likely to be tolerated, but these predictions have not been confirmed by published functional studies and their clinical significance is uncertain. This variant has been observed in individual(s) with breast and/or ovarian cancer (PMID: 29470806). This variant is not present in population databases (ExAC no frequency). This sequence change replaces aspartic acid with glutamic acid at codon 584 of the PALB2 protein (p.Asp584Glu). The aspartic acid residue is moderately conserved and there is a small physicochemical difference between aspartic acid and glutamic acid.

Literature cited by the submitters: PubMed 29470806.